The following is an entry in ClinVar:

ClinVar aggregate classification (germline): Uncertain significance (1 of 4 stars; one submission).

Conditions:
Developmental and epileptic encephalopathy, 50 (DEE50). Also called: Epileptic encephalopathy, early infantile, 50. Identifiers: Orphanet 448010, MedGen C4225320, MONDO:0014647, OMIM 616457.

gnomAD v4.1: 1 of 1,614,234 alleles (0.000062%); highest among the groups gnomAD compares: Non-Finnish European, 0.000085%; no homozygotes.

Submission:

MVZ Praenatalmedizin und Genetik Nuernberg
Classification: Uncertain significance for Developmental and epileptic encephalopathy, 50. Last evaluated: 2025-09-12. Review status: criteria provided, single submitter. Criteria: ACMG Guidelines, 2015. Collection method: clinical testing. Allele origin: biparental.
Comment: The missense variant c.1669G>A or p.(Ala557Thr) in the CAD gene has not yet been annotated in gnomADv2/v4 or ClinVar, nor has it been described in the literature. In silico predictions indicate a possible pathogenic effect of the variant (CADD 29.4, GERP 5.65, alphaMissense likely pathogenic, REVEL damaging). However, this is not sufficient for classification. In summary, based on the current data, we assess this variant as having unclear clinical significance (VUS).

NM_004341.5(CAD):c.1669G>A (p.Ala557Thr)

Gene: CAD (carbamoyl-phosphate synthetase 2, aspartate transcarbamylase, and dihydroorotase; plus strand). Cytogenetic location: 2p23.3.
Variant type: single nucleotide variant.
Coding change: c.1669G>A on transcript NM_004341.5 (MANE Select); coding-DNA position 1669, G replaced by A.
Protein change: p.Ala557Thr; replaces alanine 557 with threonine.
Molecular consequence: missense variant.
Genome position (GRCh38, 1-based): chr2:27,225,753, G>A. VCF-style: chr2-27225753-G-A. GRCh37 (hg19) VCF-style: chr2-27448621-G-A.
Other names: c.1669G>A, p.Ala557Thr (NM_001306079.2); short protein forms A557T.
Identifiers: ClinVar variation 4813458 (VCV004813458.1).